The following continues an entry in ClinVar:

NM_000093.5(COL5A1):c.4482G>A (p.Pro1494=)

ClinVar aggregate classification (germline): Benign/Likely benign. Benign (12); Likely benign (1).

Submissions 29 to 65 of 89:

Dr. Peter K. Rogan Lab, Western University
No classification provided (evidence only). Condition: Colorectal cancer. Review status: no classification provided. Collection method: in vitro. Allele origin: not applicable. Functional consequence: retained intron. Not counted in ClinVar's aggregate classification.

Dr. Peter K. Rogan Lab, Western University
No classification provided (evidence only). Condition: Colorectal cancer. Review status: no classification provided. Collection method: in vitro. Allele origin: not applicable. Functional consequence: retained intron. Not counted in ClinVar's aggregate classification.

Dr. Peter K. Rogan Lab, Western University
No classification provided (evidence only). Condition: Colorectal cancer. Review status: no classification provided. Collection method: in vitro. Allele origin: not applicable. Functional consequence: retained intron. Not counted in ClinVar's aggregate classification.

Dr. Peter K. Rogan Lab, Western University
No classification provided (evidence only). Condition: Colorectal cancer. Review status: no classification provided. Collection method: in vitro. Allele origin: not applicable. Functional consequence: retained intron. Not counted in ClinVar's aggregate classification.

Dr. Peter K. Rogan Lab, Western University
No classification provided (evidence only). Condition: Colorectal cancer. Review status: no classification provided. Collection method: in vitro. Allele origin: not applicable. Functional consequence: retained intron. Not counted in ClinVar's aggregate classification.

Dr. Peter K. Rogan Lab, Western University
No classification provided (evidence only). Condition: Uterine corpus endometrial carcinoma. Review status: no classification provided. Collection method: in vitro. Allele origin: not applicable. Functional consequence: retained intron. Not counted in ClinVar's aggregate classification.

Dr. Peter K. Rogan Lab, Western University
No classification provided (evidence only). Condition: Uterine corpus endometrial carcinoma. Review status: no classification provided. Collection method: in vitro. Allele origin: not applicable. Functional consequence: retained intron. Not counted in ClinVar's aggregate classification.

Dr. Peter K. Rogan Lab, Western University
No classification provided (evidence only). Condition: Uterine corpus endometrial carcinoma. Review status: no classification provided. Collection method: in vitro. Allele origin: not applicable. Functional consequence: retained intron. Not counted in ClinVar's aggregate classification.

Dr. Peter K. Rogan Lab, Western University
No classification provided (evidence only). Condition: Uterine corpus endometrial carcinoma. Review status: no classification provided. Collection method: in vitro. Allele origin: not applicable. Functional consequence: retained intron. Not counted in ClinVar's aggregate classification.

Dr. Peter K. Rogan Lab, Western University
No classification provided (evidence only). Condition: Uterine corpus endometrial carcinoma. Review status: no classification provided. Collection method: in vitro. Allele origin: not applicable. Functional consequence: retained intron. Not counted in ClinVar's aggregate classification.

Dr. Peter K. Rogan Lab, Western University
No classification provided (evidence only). Condition: Sarcoma. Review status: no classification provided. Collection method: in vitro. Allele origin: not applicable. Functional consequence: retained intron. Not counted in ClinVar's aggregate classification.

Dr. Peter K. Rogan Lab, Western University
No classification provided (evidence only). Condition: Sarcoma. Review status: no classification provided. Collection method: in vitro. Allele origin: not applicable. Functional consequence: retained intron. Not counted in ClinVar's aggregate classification.

Dr. Peter K. Rogan Lab, Western University
No classification provided (evidence only). Condition: Sarcoma. Review status: no classification provided. Collection method: in vitro. Allele origin: not applicable. Functional consequence: retained intron. Not counted in ClinVar's aggregate classification.

Dr. Peter K. Rogan Lab, Western University
No classification provided (evidence only). Condition: Sarcoma. Review status: no classification provided. Collection method: in vitro. Allele origin: not applicable. Functional consequence: retained intron. Not counted in ClinVar's aggregate classification.

Dr. Peter K. Rogan Lab, Western University
No classification provided (evidence only). Condition: Sarcoma. Review status: no classification provided. Collection method: in vitro. Allele origin: not applicable. Functional consequence: retained intron. Not counted in ClinVar's aggregate classification.

Dr. Peter K. Rogan Lab, Western University
No classification provided (evidence only). Condition: Sarcoma. Review status: no classification provided. Collection method: in vitro. Allele origin: not applicable. Functional consequence: retained intron. Not counted in ClinVar's aggregate classification.

Dr. Peter K. Rogan Lab, Western University
No classification provided (evidence only). Condition: Sarcoma. Review status: no classification provided. Collection method: in vitro. Allele origin: not applicable. Functional consequence: retained intron. Not counted in ClinVar's aggregate classification.

Dr. Peter K. Rogan Lab, Western University
No classification provided (evidence only). Condition: Sarcoma. Review status: no classification provided. Collection method: in vitro. Allele origin: not applicable. Functional consequence: retained intron. Not counted in ClinVar's aggregate classification.

Dr. Peter K. Rogan Lab, Western University
No classification provided (evidence only). Condition: Sarcoma. Review status: no classification provided. Collection method: in vitro. Allele origin: not applicable. Functional consequence: retained intron. Not counted in ClinVar's aggregate classification.

Dr. Peter K. Rogan Lab, Western University
No classification provided (evidence only). Condition: Sarcoma. Review status: no classification provided. Collection method: in vitro. Allele origin: not applicable. Functional consequence: retained intron. Not counted in ClinVar's aggregate classification.

Dr. Peter K. Rogan Lab, Western University
No classification provided (evidence only). Condition: Sarcoma. Review status: no classification provided. Collection method: in vitro. Allele origin: not applicable. Functional consequence: retained intron. Not counted in ClinVar's aggregate classification.

Dr. Peter K. Rogan Lab, Western University
No classification provided (evidence only). Condition: Sarcoma. Review status: no classification provided. Collection method: in vitro. Allele origin: not applicable. Functional consequence: retained intron. Not counted in ClinVar's aggregate classification.

Dr. Peter K. Rogan Lab, Western University
No classification provided (evidence only). Condition: Sarcoma. Review status: no classification provided. Collection method: in vitro. Allele origin: not applicable. Functional consequence: retained intron. Not counted in ClinVar's aggregate classification.

Dr. Peter K. Rogan Lab, Western University
No classification provided (evidence only). Condition: Sarcoma. Review status: no classification provided. Collection method: in vitro. Allele origin: not applicable. Functional consequence: retained intron. Not counted in ClinVar's aggregate classification.

Dr. Peter K. Rogan Lab, Western University
No classification provided (evidence only). Condition: Sarcoma. Review status: no classification provided. Collection method: in vitro. Allele origin: not applicable. Functional consequence: retained intron. Not counted in ClinVar's aggregate classification.

Dr. Peter K. Rogan Lab, Western University
No classification provided (evidence only). Condition: Hepatocellular carcinoma. Review status: no classification provided. Collection method: in vitro. Allele origin: not applicable. Functional consequence: retained intron. Not counted in ClinVar's aggregate classification.

Dr. Peter K. Rogan Lab, Western University
No classification provided (evidence only). Condition: Hepatocellular carcinoma. Review status: no classification provided. Collection method: in vitro. Allele origin: not applicable. Functional consequence: retained intron. Not counted in ClinVar's aggregate classification.

Dr. Peter K. Rogan Lab, Western University
No classification provided (evidence only). Condition: Hepatocellular carcinoma. Review status: no classification provided. Collection method: in vitro. Allele origin: not applicable. Functional consequence: retained intron. Not counted in ClinVar's aggregate classification.

Dr. Peter K. Rogan Lab, Western University
No classification provided (evidence only). Condition: Hepatocellular carcinoma. Review status: no classification provided. Collection method: in vitro. Allele origin: not applicable. Functional consequence: retained intron. Not counted in ClinVar's aggregate classification.

Dr. Peter K. Rogan Lab, Western University
No classification provided (evidence only). Condition: Hepatocellular carcinoma. Review status: no classification provided. Collection method: in vitro. Allele origin: not applicable. Functional consequence: retained intron. Not counted in ClinVar's aggregate classification.

Dr. Peter K. Rogan Lab, Western University
No classification provided (evidence only). Condition: Thymoma. Review status: no classification provided. Collection method: in vitro. Allele origin: not applicable. Functional consequence: retained intron. Not counted in ClinVar's aggregate classification.

Dr. Peter K. Rogan Lab, Western University
No classification provided (evidence only). Condition: Thymoma. Review status: no classification provided. Collection method: in vitro. Allele origin: not applicable. Functional consequence: retained intron. Not counted in ClinVar's aggregate classification.

Dr. Peter K. Rogan Lab, Western University
No classification provided (evidence only). Condition: Thymoma. Review status: no classification provided. Collection method: in vitro. Allele origin: not applicable. Functional consequence: retained intron. Not counted in ClinVar's aggregate classification.

Dr. Peter K. Rogan Lab, Western University
No classification provided (evidence only). Condition: Thymoma. Review status: no classification provided. Collection method: in vitro. Allele origin: not applicable. Functional consequence: retained intron. Not counted in ClinVar's aggregate classification.

Dr. Peter K. Rogan Lab, Western University
No classification provided (evidence only). Condition: Thymoma. Review status: no classification provided. Collection method: in vitro. Allele origin: not applicable. Functional consequence: retained intron. Not counted in ClinVar's aggregate classification.

Dr. Peter K. Rogan Lab, Western University
No classification provided (evidence only). Condition: Thymoma. Review status: no classification provided. Collection method: in vitro. Allele origin: not applicable. Functional consequence: retained intron. Not counted in ClinVar's aggregate classification.

Dr. Peter K. Rogan Lab, Western University
No classification provided (evidence only). Condition: Thymoma. Review status: no classification provided. Collection method: in vitro. Allele origin: not applicable. Functional consequence: retained intron. Not counted in ClinVar's aggregate classification.